The following is an entry in ClinVar:

NM_002804.5(PSMC3):c.523A>G (p.Met175Val)

Gene: PSMC3 (proteasome 26S subunit, ATPase 3; minus strand). Cytogenetic location: 11p11.2.
Variant type: single nucleotide variant.
Coding change: c.523A>G on transcript NM_002804.5 (MANE Select); coding-DNA position 523, A replaced by G.
Protein change: p.Met175Val; replaces methionine 175 with valine.
Molecular consequence: missense variant.
Genome position (GRCh38, 1-based): chr11:47,424,114, T>C on the plus strand (A>G on the coding strand, the complement: PSMC3 is on the minus strand). VCF-style: chr11-47424114-T-C. GRCh37 (hg19) VCF-style: chr11-47445665-T-C.
Other names: short protein forms M175V.
Identifiers: ClinVar variation 3572587 (VCV003572587.1).

ClinVar aggregate classification (germline): Uncertain significance (1 of 4 stars; one submission).

Submission:

GeneDx
Classification: Uncertain significance. Last evaluated: 2024-07-09. Review status: criteria provided, single submitter. Criteria: GeneDx Variant Classification Process June 2021. Collection method: clinical testing. Allele origin: germline. Affected: yes.
Comment: Reported de novo in a patient with severe cardiac, gastrointestinal, inflammatory, and immune issues; however, this patient did not exhibit neurodevelopmental delay typically seen in this disorder (PMID: 37256937); Not observed at significant frequency in large population cohorts (gnomAD); In silico analysis supports that this missense variant has a deleterious effect on protein structure/function; This variant is associated with the following publications: (PMID: 37256937)